The following is an entry in ClinVar:

NM_020774.4(MIB1):c.413A>T (p.Glu138Val)

Gene: MIB1 (MIB E3 ubiquitin protein ligase 1; plus strand). Cytogenetic location: 18q11.2.
Variant type: single nucleotide variant.
Coding change: c.413A>T on transcript NM_020774.4 (MANE Select); coding-DNA position 413, A replaced by T.
Protein change: p.Glu138Val; replaces glutamic acid 138 with valine.
Molecular consequence: missense variant.
Genome position (GRCh38, 1-based): chr18:21,768,634, A>T. VCF-style: chr18-21768634-A-T. GRCh37 (hg19) VCF-style: chr18-19348595-A-T.
Other names: short protein forms E138V.
Identifiers: ClinVar variation 4107595 (VCV004107595.1).

ClinVar aggregate classification (germline): Uncertain significance (1 of 4 stars; one submission).

Conditions:
Inborn genetic diseases. Identifiers: MedGen C0950123, MeSH D030342.

Submission:

Ambry Genetics
Classification: Uncertain significance for Inborn genetic diseases. Last evaluated: 2025-07-24. Review status: criteria provided, single submitter. Criteria: Ambry Variant Classification Scheme 2023. Collection method: clinical testing. Allele origin: germline.
Comment: The p.E138V variant (also known as c.413A>T), located in coding exon 3 of the MIB1 gene, results from an A to T substitution at nucleotide position 413. The glutamic acid at codon 138 is replaced by valine, an amino acid with dissimilar properties. This amino acid position is conserved. In addition, the in silico prediction for this alteration is inconclusive. Based on the available evidence, the clinical significance of this variant remains unclear.